The following is an entry in ClinVar:

NM_020975.6(RET):c.845T>G (p.Val282Gly)

Gene: RET (ret proto-oncogene; plus strand). Cytogenetic location: 10q11.21.
Variant type: single nucleotide variant.
Coding change: c.845T>G on transcript NM_020975.6 (MANE Select); coding-DNA position 845, T replaced by G.
Protein change: p.Val282Gly; replaces valine 282 with glycine.
Molecular consequence: missense variant. On other transcripts: intron variant (22).
Genome position (GRCh38, 1-based): chr10:43,105,171, T>G. VCF-style: chr10-43105171-T-G. GRCh37 (hg19) VCF-style: chr10-43600619-T-G.
Other names: c.337+4449T>G (NM_001406789.1, NM_001406791.1, NM_001406790.1 and 1 more transcripts); c.74-3860T>G (NM_001406784.1); c.74-6928T>G (NM_001406792.1, NM_001406793.1, NM_001406794.1); c.845T>G, p.Val282Gly (NM_000323.2, NM_001406743.1, NM_001406744.1 and 8 more transcripts); c.83T>G, p.Val28Gly (NM_001355216.2); c.716T>G, p.Val239Gly (NM_001406761.1, NM_001406762.1, NM_001406764.1 and 2 more transcripts); c.557T>G, p.Val186Gly (NM_001406766.1, NM_001406767.1, NM_001406770.1); c.625+2542T>G (NM_001406773.1, NM_001406771.1, NM_001406782.1 and 5 more transcripts); and 2 more; short protein forms V186G, V239G, V28G, V282G.
Identifiers: ClinVar variation 2568352 (VCV002568352.2), dbSNP rs2538390786, ClinGen allele CA376545332.

ClinVar aggregate classification (germline): Uncertain significance (1 of 4 stars; one submission).

Conditions:
Hereditary cancer-predisposing syndrome. Also called: Hereditary neoplastic syndrome; Hereditary Cancer Syndrome; Neoplastic Syndromes, Hereditary; Tumor predisposition. Identifiers: Orphanet 140162, MedGen C0027672, MeSH D009386, MONDO:0015356.

Submission:

Ambry Genetics
Classification: Uncertain significance for Hereditary cancer-predisposing syndrome. Last evaluated: 2023-05-01. Review status: criteria provided, single submitter. Criteria: Ambry Variant Classification Scheme 2023. Collection method: clinical testing. Allele origin: germline.
Comment: The p.V282G variant (also known as c.845T>G), located in coding exon 4 of the RET gene, results from a T to G substitution at nucleotide position 845. The valine at codon 282 is replaced by glycine, an amino acid with dissimilar properties. This amino acid position is conserved. In addition, the in silico prediction for this alteration is inconclusive. Since supporting evidence is limited at this time, the clinical significance of this alteration remains unclear.